The following is an entry in ClinVar:

NM_006648.4(WNK2):c.2776C>T (p.Pro926Ser)

Gene: WNK2 (WNK lysine deficient protein kinase 2; plus strand). Cytogenetic location: 9q22.31.
Variant type: single nucleotide variant.
Coding change: c.2776C>T on transcript NM_006648.4 (MANE Select); coding-DNA position 2776, C replaced by T.
Protein change: p.Pro926Ser; replaces proline 926 with serine.
Molecular consequence: missense variant.
Genome position (GRCh38, 1-based): chr9:93,259,324, C>T. VCF-style: chr9-93259324-C-T. GRCh37 (hg19) VCF-style: chr9-96021606-C-T.
Other names: c.2776C>T, p.Pro926Ser (NM_001282394.3); short protein forms P926S.
Identifiers: ClinVar variation 3981766 (VCV003981766.1).
Genomic context (GRCh38, chr9:93,259,324, plus strand): 5'-CTCCCAGGCCAACCTGTGTACCCAGCGGCCTTCCCACAGATGGCGCCTACTGACGTCCCT[C>T]CTTCCCCCCATCACACGGTGCAGAATATGAGGGCCACCCCTCCACAGCCGGCACTGCCTC-3'
Protein context (NP_006639.3, residues 916-936): FPQMAPTDVP[Pro926Ser]SPHHTVQNMR

ClinVar aggregate classification (germline): Uncertain significance (1 of 4 stars; one submission).

gnomAD v4.1: 1 of 1,613,412 alleles (0.000062%); highest among the groups gnomAD compares: African/African-American, 0.0013%; no homozygotes.

Submission:

Ambry Genetics
Classification: Uncertain significance. Last evaluated: 2025-03-30. Review status: criteria provided, single submitter. Criteria: Ambry Variant Classification Scheme 2023. Collection method: clinical testing. Allele origin: germline.
Comment: The p.P926S variant (also known as c.2776C>T), located in coding exon 11 of the WNK2 gene, results from a C to T substitution at nucleotide position 2776. The proline at codon 926 is replaced by serine, an amino acid with similar properties. This amino acid position is conserved. In addition, this alteration is predicted to be tolerated by in silico analysis. Based on the available evidence, the clinical significance of this variant remains unclear.